The following is an entry in ClinVar:

ClinVar aggregate classification (germline): Uncertain significance (1 of 4 stars; one submission).

Submission:

Labcorp Genetics (formerly Invitae), Labcorp
Classification: Uncertain significance. Last evaluated: 2021-09-17. Review status: criteria provided, single submitter. Criteria: Invitae Variant Classification Sherloc (09022015). Collection method: clinical testing. Allele origin: germline.
Comment: This variant has not been reported in the literature in individuals affected with CABP4-related conditions. Algorithms developed to predict the effect of missense changes on protein structure and function (SIFT, PolyPhen-2, Align-GVGD) all suggest that this variant is likely to be tolerated. In summary, the available evidence is currently insufficient to determine the role of this variant in disease. Therefore, it has been classified as a Variant of Uncertain Significance. This variant is not present in population databases (ExAC no frequency). This sequence change replaces threonine with isoleucine at codon 38 of the CABP4 protein (p.Thr38Ile). The threonine residue is moderately conserved and there is a moderate physicochemical difference between threonine and isoleucine.

NM_145200.5(CABP4):c.113C>T (p.Thr38Ile)

Gene: CABP4 (calcium binding protein 4; plus strand). Cytogenetic location: 11q13.2.
Variant type: single nucleotide variant.
Coding change: c.113C>T on transcript NM_145200.5 (MANE Select); coding-DNA position 113, C replaced by T.
Protein change: p.Thr38Ile; replaces threonine 38 with isoleucine.
Molecular consequence: missense variant. On other transcripts: 5 prime UTR variant (2), non-coding transcript variant (1), intron variant (1).
Genome position (GRCh38, 1-based): chr11:67,455,536, C>T. VCF-style: chr11-67455536-C-T. GRCh37 (hg19) VCF-style: chr11-67223007-C-T.
Other names: c.-271C>T (NM_001300895.3); c.-285C>T (NM_001379183.1); c.-112-173C>T (NM_001300896.3); short protein forms T38I.
Identifiers: ClinVar variation 1381745 (VCV001381745.6), dbSNP rs1158722137, ClinGen allele CA381526894.